The following is an entry in ClinVar:

NM_006080.3(SEMA3A):c.44T>C (p.Leu15Ser)

Gene: SEMA3A (semaphorin 3A; minus strand). Cytogenetic location: 7q21.11.
Variant type: single nucleotide variant.
Coding change: c.44T>C on transcript NM_006080.3 (MANE Select); coding-DNA position 44, T replaced by C.
Protein change: p.Leu15Ser; replaces leucine 15 with serine.
Molecular consequence: missense variant.
Genome position (GRCh38, 1-based): chr7:84,194,543, A>G on the plus strand (T>C on the coding strand, the complement: SEMA3A is on the minus strand). VCF-style: chr7-84194543-A-G. GRCh37 (hg19) VCF-style: chr7-83823859-A-G.
Other names: short protein forms L15S.
Identifiers: ClinVar variation 4983750 (VCV004983750.1).

ClinVar aggregate classification (germline): Uncertain significance (1 of 4 stars; one submission).

Conditions:
SEMA3A-related disorder. Also called: SEMA3A-related condition.

gnomAD v4.1: 2 of 1,613,392 alleles (0.00012%); highest among the groups gnomAD compares: Admixed American, 0.0017%; no homozygotes.

Submission:

PreventionGenetics, part of Exact Sciences
Classification: Uncertain significance for SEMA3A-related condition. Last evaluated: 2025-08-10. Review status: criteria provided, single submitter. Criteria: ACMG Guidelines, 2015. Collection method: clinical testing. Allele origin: germline.
Comment: The SEMA3A c.44T>C variant is predicted to result in the amino acid substitution p.Leu15Ser. To our knowledge, this variant has not been reported in the literature. This variant is reported in 0.0029% of alleles in individuals of Latino descent in gnomAD. At this time, the clinical significance of this variant is uncertain due to the absence of conclusive functional and genetic evidence.